The following is an entry in ClinVar:

NM_001370259.2(MEN1):c.460A>T (p.Ser154Cys)

Gene: MEN1 (menin 1; minus strand). Cytogenetic location: 11q13.1.
Variant type: single nucleotide variant.
Coding change: c.460A>T on transcript NM_001370259.2 (MANE Select); coding-DNA position 460, A replaced by T.
Protein change: p.Ser154Cys; replaces serine 154 with cysteine.
Molecular consequence: missense variant. On other transcripts: non-coding transcript variant (4).
Genome position (GRCh38, 1-based): chr11:64,808,085, T>A on the plus strand (A>T on the coding strand, the complement: MEN1 is on the minus strand). VCF-style: chr11-64808085-T-A. GRCh37 (hg19) VCF-style: chr11-64575557-T-A.
Other names: c.475A>T, p.Ser159Cys (NM_000244.4, NM_001407145.1, NM_001407150.1 and 5 more transcripts); c.460A>T, p.Ser154Cys (NM_001370251.2, NM_001370260.2, NM_001370261.2 and 12 more transcripts); short protein forms S154C, S159C.
Identifiers: ClinVar variation 3229100 (VCV003229100.1), dbSNP rs2136159066, ClinGen allele CA381186273.

ClinVar aggregate classification (germline): Uncertain significance (1 of 4 stars; one submission).

Conditions:
Hereditary cancer-predisposing syndrome. Also called: Neoplastic Syndromes, Hereditary; Tumor predisposition; Hereditary neoplastic syndrome; Hereditary Cancer Syndrome. Identifiers: Orphanet 140162, MedGen C0027672, MeSH D009386, MONDO:0015356.

Submission:

Ambry Genetics
Classification: Uncertain significance for Hereditary cancer-predisposing syndrome. Last evaluated: 2023-12-28. Review status: criteria provided, single submitter. Criteria: Ambry Variant Classification Scheme 2023. Collection method: clinical testing. Allele origin: germline.
Comment: The p.S154C variant (also known as c.460A>T), located in coding exon 2 of the MEN1 gene, results from an A to T substitution at nucleotide position 460. The serine at codon 154 is replaced by cysteine, an amino acid with dissimilar properties. This amino acid position is highly conserved in available vertebrate species. In addition, this alteration is predicted to be deleterious by in silico analysis. Since supporting evidence is limited at this time, the clinical significance of this alteration remains unclear.